The following is an entry in ClinVar:

NC_000010.10:g.(?_71078602)_(71161639_?)dup

Gene: HK1 (hexokinase 1; plus strand). Cytogenetic location: 10q22.1.
Variant type: Duplication.
Identifiers: ClinVar variation 3768742 (VCV003768742.1).

ClinVar aggregate classification (germline): Uncertain significance (1 of 4 stars; one submission).

Submission:

Women's Health and Genetics/Laboratory Corporation of America, LabCorp
Classification: Uncertain significance. Last evaluated: 2025-02-05. Review status: criteria provided, single submitter. Criteria: LabCorp Variant Classification Summary - May 2015. Collection method: clinical testing. Allele origin: germline.
Comment: Variant summary: The variant involves the duplication of exons 1-18 in the HK1 gene. This duplication includes the entire coding sequence of the gene. As exact breakpoints are unknown, it may extend beyond the annotated region of the gene, to include other flanking genes. A presumed nomenclature of c.(?_-102)_(*748_?)dup has been designated for the purposes of this classification. The variant was absent in 21692 control chromosomes. The available data on variant occurrences in the general population are insufficient to allow any conclusion about variant significance. To our knowledge, no occurrence of c.(?_-102)_(*748_?)dup in individuals affected with Hemolytic anemia due to hexokinase deficiency and no experimental evidence demonstrating its impact on protein function have been reported. ClinVar contains an entry for this variant (Variation ID: 2422553). Based on the evidence outlined above, the variant was classified as uncertain significance.